The following is an entry in ClinVar:

ClinVar aggregate classification (germline): Uncertain significance (3 of 4 stars; one submission).

Conditions:
Phenylketonuria (PKU). Also called: OLIGOPHRENIA PHENYLPYRUVICA; Phenylketonurias; Phenylketonuria (PKU); FOLLING DISEASE. Identifiers: Orphanet 716, MedGen C0031485, MONDO:0009861, OMIM 261600. Disease mechanism: loss of function.

Submission:

ClinGen PAH Variant Curation Expert Panel
Classification: Uncertain significance for Phenylketonuria. Last evaluated: 2020-03-07. Review status: reviewed by expert panel. Criteria: ClinGen PAH ACMG Specifications v1. Collection method: curation. Allele origin: germline. Inheritance: Autosomal recessive inheritance.
Comment: This variant is absent from population databases. Multiple lines of computational evidence support a deleterious effect . In summary, this variant meets criteria to be classified as uncertain significance for PAH. PAH-specific ACMG/AMP criteria applied: PP4_Moderate, PM2, PP3.

Literature cited by the submitters: PubMed 21307867.

NM_000277.3(PAH):c.656T>C (p.Phe219Ser)

Gene: PAH (phenylalanine hydroxylase; minus strand). Cytogenetic location: 12q23.2.
Variant type: single nucleotide variant.
Coding change: c.656T>C on transcript NM_000277.3 (MANE Select); coding-DNA position 656, T replaced by C.
Protein change: p.Phe219Ser; replaces phenylalanine 219 with serine.
Molecular consequence: missense variant.
Genome position (GRCh38, 1-based): chr12:102,855,186, A>G on the plus strand (T>C on the coding strand, the complement: PAH is on the minus strand). VCF-style: chr12-102855186-A-G. GRCh37 (hg19) VCF-style: chr12-103248964-A-G.
Other names: c.656T>C, p.Phe219Ser (NM_001354304.2); short protein forms F219S.
Identifiers: ClinVar variation 932275 (VCV000932275.1), dbSNP rs1164279708, ClinGen allele CA16020831.